The following is an entry in ClinVar:

NM_001365480.1(CCDC88A):c.5197A>G (p.Arg1733Gly)

Gene: CCDC88A (coiled-coil and HOOK domain protein 88A; minus strand). Cytogenetic location: 2p16.1.
Variant type: single nucleotide variant.
Coding change: c.5197A>G on transcript NM_001365480.1 (MANE Select); coding-DNA position 5197, A replaced by G.
Protein change: p.Arg1733Gly; replaces arginine 1733 with glycine.
Molecular consequence: missense variant.
Genome position (GRCh38, 1-based): chr2:55,295,951, T>C on the plus strand (A>G on the coding strand, the complement: CCDC88A is on the minus strand). VCF-style: chr2-55295951-T-C. GRCh37 (hg19) VCF-style: chr2-55523087-T-C.
Other names: c.5194A>G, p.Arg1732Gly (NM_001135597.2); c.5194A>G, p.Ser1732Gly (NM_001254943.2); c.5113A>G, p.Arg1705Gly (NM_018084.5); c.5194A>G (NM_001135597.1); short protein forms R1705G, S1732G, R1732G, R1733G.
Identifiers: ClinVar variation 1491463 (VCV001491463.4), dbSNP rs774116559, ClinGen allele CA1665371.

ClinVar aggregate classification (germline): Uncertain significance. Review status: criteria provided, multiple submitters, no conflicts (2 of 4 stars). 2 submissions from 2 submitters: Uncertain significance (2). Last evaluated 2025-08-25.

Allele frequency attached by ClinVar (database versions not stated): TOPMed 0.00001; ExAC 0.00002; gnomAD exomes 0.00002.
gnomAD v4.1: 4 of 1,614,134 alleles (0.00025%); highest among the groups gnomAD compares: Admixed American, 0.0067%; no homozygotes.

Submissions (2):

Ambry Genetics
Classification: Uncertain significance. Last evaluated: 2025-08-25. Review status: criteria provided, single submitter. Criteria: Ambry Variant Classification Scheme 2023. Collection method: clinical testing. Allele origin: germline.

Labcorp Genetics (formerly Invitae), Labcorp
Classification: Uncertain significance. Last evaluated: 2022-08-16. Review status: criteria provided, single submitter. Criteria: Invitae Variant Classification Sherloc (09022015). Collection method: clinical testing. Allele origin: germline.
Comment: This sequence change replaces arginine, which is basic and polar, with glycine, which is neutral and non-polar, at codon 1732 of the CCDC88A protein (p.Arg1732Gly). This variant is present in population databases (rs774116559, gnomAD 0.01%). This variant has not been reported in the literature in individuals affected with CCDC88A-related conditions. ClinVar contains an entry for this variant (Variation ID: 1491463). Algorithms developed to predict the effect of missense changes on protein structure and function are either unavailable or do not agree on the potential impact of this missense change (SIFT: "Deleterious"; PolyPhen-2: "Benign"; Align-GVGD: "Class C0"). In summary, the available evidence is currently insufficient to determine the role of this variant in disease. Therefore, it has been classified as a Variant of Uncertain Significance.